The following is an entry in ClinVar:

NM_145725.3(TRAF3):c.199G>A (p.Glu67Lys)

Gene: TRAF3 (TNF receptor associated factor 3; plus strand). Cytogenetic location: 14q32.32.
Variant type: single nucleotide variant.
Coding change: c.199G>A on transcript NM_145725.3 (MANE Select); coding-DNA position 199, G replaced by A.
Protein change: p.Glu67Lys; replaces glutamic acid 67 with lysine.
Molecular consequence: missense variant.
Genome position (GRCh38, 1-based): chr14:102,870,400, G>A. VCF-style: chr14-102870400-G-A. GRCh37 (hg19) VCF-style: chr14-103336737-G-A.
Other names: c.199G>A, p.Glu67Lys (NM_001199427.2, NM_001385142.1, NM_001385143.1 and 2 more transcripts); short protein forms E67K.
Identifiers: ClinVar variation 581158 (VCV000581158.9), dbSNP rs1566786155, ClinGen allele CA391069923.

ClinVar aggregate classification (germline): Uncertain significance (1 of 4 stars; one submission).

Conditions:
Immunodeficiency 132A. Also called: Herpes simplex encephalitis, susceptibility to, 3. Identifiers: Orphanet 1930, MedGen C3553868, MONDO:0013920, OMIM 614849.

Allele frequency attached by ClinVar (database versions not stated): gnomAD exomes below 0.00001.
gnomAD v4.1: 1 of 1,614,138 alleles (0.000062%); highest among the groups gnomAD compares: Non-Finnish European, 0.000085%; no homozygotes.

Submission:

Labcorp Genetics (formerly Invitae), Labcorp
Classification: Uncertain significance for Immunodeficiency 132A. Last evaluated: 2018-03-28. Review status: criteria provided, single submitter. Criteria: Invitae Variant Classification Sherloc (09022015). Collection method: clinical testing. Allele origin: germline.
Comment: This sequence change replaces glutamic acid with lysine at codon 67 of the TRAF3 protein (p.Glu67Lys). The glutamic acid residue is highly conserved and there is a small physicochemical difference between glutamic acid and lysine. In summary, the available evidence is currently insufficient to determine the role of this variant in disease. Therefore, it has been classified as a Variant of Uncertain Significance. Algorithms developed to predict the effect of missense changes on protein structure and function do not agree on the potential impact of this missense change (SIFT: "Deleterious"; PolyPhen-2: "Possibly Damaging"; Align-GVGD: "Class C0"). This variant has not been reported in the literature in individuals with TRAF3-related disease. This variant is not present in population databases (ExAC no frequency).